The following is an entry in ClinVar:

NM_001430.5(EPAS1):c.1988G>A (p.Gly663Glu)

Gene: EPAS1 (endothelial PAS domain protein 1; plus strand). Cytogenetic location: 2p21.
Variant type: single nucleotide variant.
Coding change: c.1988G>A on transcript NM_001430.5 (MANE Select); coding-DNA position 1988, G replaced by A.
Protein change: p.Gly663Glu; replaces glycine 663 with glutamic acid.
Molecular consequence: missense variant.
Genome position (GRCh38, 1-based): chr2:46,380,660, G>A. VCF-style: chr2-46380660-G-A. GRCh37 (hg19) VCF-style: chr2-46607799-G-A.
Other names: short protein forms G663E.
Identifiers: ClinVar variation 3089353 (VCV003089353.3), dbSNP rs371608362, ClinGen allele CA1645163.

ClinVar aggregate classification (germline): Uncertain significance. Review status: criteria provided, multiple submitters, no conflicts (2 of 4 stars). 2 submissions from 2 submitters: Uncertain significance (2). Last evaluated 2024-03-28.

Conditions:
Inborn genetic diseases. Identifiers: MedGen C0950123, MeSH D030342.

Allele frequency attached by ClinVar (database versions not stated): TOPMed below 0.00001; ExAC 0.00002; gnomAD exomes 0.00003; ESP Exome Variant Server 0.00008.
gnomAD v4.1: 36 of 1,614,038 alleles (0.0022%); highest among the groups gnomAD compares: Non-Finnish European, 0.003%; 1 homozygote.

Submissions (2):

Labcorp Genetics (formerly Invitae), Labcorp
Classification: Uncertain significance. Last evaluated: 2024-03-28. Review status: criteria provided, single submitter. Criteria: Invitae Variant Classification Sherloc (09022015). Collection method: clinical testing. Allele origin: germline.
Comment: This sequence change replaces glycine, which is neutral and non-polar, with glutamic acid, which is acidic and polar, at codon 663 of the EPAS1 protein (p.Gly663Glu). This variant is present in population databases (rs371608362, gnomAD 0.003%). This variant has not been reported in the literature in individuals affected with EPAS1-related conditions. An algorithm developed to predict the effect of missense changes on protein structure and function (PolyPhen-2) suggests that this variant is likely to be tolerated. In summary, the available evidence is currently insufficient to determine the role of this variant in disease. Therefore, it has been classified as a Variant of Uncertain Significance.

Ambry Genetics
Classification: Uncertain significance for Inborn genetic diseases. Last evaluated: 2024-02-17. Review status: criteria provided, single submitter. Criteria: Ambry Variant Classification Scheme 2023. Collection method: clinical testing. Allele origin: germline.